The following is an entry in ClinVar:

ClinVar aggregate classification (germline): Uncertain significance. Review status: criteria provided, multiple submitters, no conflicts (2 of 4 stars). 2 submissions from 2 submitters: Uncertain significance (2). Last evaluated 2022-03-14.

Conditions:
Inborn genetic diseases. Identifiers: MedGen C0950123, MeSH D030342.
Hereditary spastic paraplegia 11. Also called: Nakamura Osame syndrome; Autosomal recessive hereditary spastic paraplegia, mental impairment, and thin corpus callosum; Spastic Paraplegia 11; SPASTIC PARAPLEGIA, AUTOSOMAL RECESSIVE, COMPLICATED, WITH THIN CORPUS CALLOSUM; SPASTIC PARAPLEGIA, AUTOSOMAL RECESSIVE, WITH MENTAL IMPAIRMENT AND THIN CORPUS CALLOSUM; Spastic paraplegia, mental retardation and thin corpus callosum. Identifiers: Orphanet 2822, MedGen C1858479, MONDO:0011445, OMIM 604360.

Allele frequency attached by ClinVar (database versions not stated): gnomAD exomes 0.00001.
gnomAD v4.1: 15 of 1,613,850 alleles (0.00093%); highest among the groups gnomAD compares: Middle Eastern, 0.017%; no homozygotes.

Submissions (2):

Labcorp Genetics (formerly Invitae), Labcorp
Classification: Uncertain significance for Hereditary spastic paraplegia 11. Last evaluated: 2022-03-14. Review status: criteria provided, single submitter. Criteria: Invitae Variant Classification Sherloc (09022015). Collection method: clinical testing. Allele origin: germline.
Comment: In summary, the available evidence is currently insufficient to determine the role of this variant in disease. Therefore, it has been classified as a Variant of Uncertain Significance. Algorithms developed to predict the effect of missense changes on protein structure and function (SIFT, PolyPhen-2, Align-GVGD) all suggest that this variant is likely to be tolerated. This variant has not been reported in the literature in individuals affected with SPG11-related conditions. This variant is present in population databases (no rsID available, gnomAD 0.0009%). This sequence change replaces methionine, which is neutral and non-polar, with valine, which is neutral and non-polar, at codon 2312 of the SPG11 protein (p.Met2312Val).

Ambry Genetics
Classification: Uncertain significance for Inborn genetic diseases. Last evaluated: 2021-09-27. Review status: criteria provided, single submitter. Criteria: Ambry Variant Classification Scheme 2023. Collection method: clinical testing. Allele origin: germline.

NM_025137.4(SPG11):c.6934A>G (p.Met2312Val)

Gene: SPG11 (SPG11 vesicle trafficking associated, spatacsin; minus strand). Cytogenetic location: 15q21.1.
Variant type: single nucleotide variant.
Coding change: c.6934A>G on transcript NM_025137.4 (MANE Select); coding-DNA position 6934, A replaced by G.
Protein change: p.Met2312Val; replaces methionine 2312 with valine.
Molecular consequence: missense variant.
Genome position (GRCh38, 1-based): chr15:44,565,919, T>C on the plus strand (A>G on the coding strand, the complement: SPG11 is on the minus strand). VCF-style: chr15-44565919-T-C. GRCh37 (hg19) VCF-style: chr15-44858117-T-C.
Other names: c.6934A>G (NM_025137.3); c.6595A>G, p.Met2199Val (NM_001160227.2); short protein forms M2199V, M2312V.
Identifiers: ClinVar variation 1403335 (VCV001403335.9), dbSNP rs892306308, ClinGen allele CA270058324.